The following is an entry in ClinVar:

ClinVar aggregate classification (germline): Uncertain significance (1 of 4 stars; one submission).

Submission:

GeneDx
Classification: Uncertain significance. Last evaluated: 2024-04-29. Review status: criteria provided, single submitter. Criteria: GeneDx Variant Classification Process June 2021. Collection method: clinical testing. Allele origin: germline. Affected: yes.
Comment: Not observed at significant frequency in large population cohorts (gnomAD); In silico analysis supports that this missense variant has a deleterious effect on protein structure/function; Has not been previously published as pathogenic or benign to our knowledge

NM_001197104.2(KMT2A):c.11074G>A (p.Ala3692Thr)

Genes: KMT2A (lysine methyltransferase 2A; plus strand), TTC36-AS1 (TTC36 and KMT2A antisense RNA 1; minus strand). Cytogenetic location: 11q23.3.
Variant type: single nucleotide variant.
Coding change: c.11074G>A on transcript NM_001197104.2 (MANE Select); coding-DNA position 11074, G replaced by A.
Protein change: p.Ala3692Thr; replaces alanine 3692 with threonine.
Molecular consequence: missense variant. On other transcripts: non-coding transcript variant (1).
Genome position (GRCh38, 1-based): chr11:118,511,953, G>A. VCF-style: chr11-118511953-G-A. GRCh37 (hg19) VCF-style: chr11-118382668-G-A.
Other names: c.11164G>A, p.Ala3722Thr (NM_001412597.1); c.11065G>A, p.Ala3689Thr (NM_005933.4); short protein forms A3689T, A3692T, A3722T.
Identifiers: ClinVar variation 3373176 (VCV003373176.1).